The following is an entry in ClinVar:

NM_001267550.2(TTN):c.55173dup (p.Ala18392fs)

Genes: TTN-AS1 (TTN antisense RNA 1; plus strand), TTN (titin; minus strand). Cytogenetic location: 2q31.2.
Variant type: Duplication.
Coding change: c.55173dup on transcript NM_001267550.2 (MANE Select); coding-DNA position 55173, one base duplicated (A; older notation c.55173dupA).
Protein change: p.Ala18392fs; shifts the reading frame from alanine 18392.
Molecular consequence: frameshift variant.
Genome position (GRCh38, 1-based): chr2:178,602,098, T duplicated on the plus strand (A on the coding strand, the reverse complement: TTN is on the minus strand); the first of 3 consecutive T bases (chr2:178,602,098-178,602,100); duplicating any one gives the same sequence. VCF-style (leftmost placement, unchanged base first): chr2-178602097-C-CT. GRCh37 (hg19) VCF-style: chr2-179466824-C-CT.
Other names: c.55173dup (NM_001267550.1); c.50250dup, p.Ala16751fs (NM_001256850.1); c.27978dup, p.Ala9327fs (NM_003319.4); c.47469dup, p.Ala15824fs (NM_133378.4); c.28353dup, p.Ala9452fs (NM_133432.3); c.28554dup, p.Ala9519fs (NM_133437.4); short protein forms A15824fs, A16751fs, A18392fs, A9327fs, A9452fs, A9519fs.
Identifiers: ClinVar variation 1321500 (VCV001321500.7), dbSNP rs2154193411, ClinGen allele CA2573051784.

ClinVar aggregate classification (germline): Likely pathogenic. Review status: criteria provided, multiple submitters, no conflicts (2 of 4 stars). 2 submissions from 2 submitters: Likely pathogenic (2). Last evaluated 2025-10-07.

Conditions:
Dilated cardiomyopathy 1G (CMD1G). Identifiers: Orphanet 154, MedGen C1858763, MONDO:0011400, OMIM 604145.
Autosomal recessive limb-girdle muscular dystrophy type 2J (LGMDR10). Also called: Limb-girdle muscular dystrophy, type 2J; MUSCULAR DYSTROPHY, LIMB-GIRDLE, AUTOSOMAL RECESSIVE 10. Identifiers: Orphanet 140922, MedGen C1837342, MONDO:0012127, OMIM 608807.

Submissions (2):

GeneDx
Classification: Likely pathogenic. Last evaluated: 2025-10-07. Review status: criteria provided, single submitter. Criteria: GeneDx Variant Classification Process June 2021. Collection method: clinical testing. Allele origin: germline. Affected: yes.
Comment: Has not been previously published as pathogenic or benign to our knowledge; Not observed at significant frequency in large population cohorts (gnomAD); Frameshift variant predicted to result in protein truncation or nonsense mediated decay in a gene for which loss-of-function is a known mechanism of disease; Located in the A-band, a region of TTN for which truncating variants are significantly associated with autosomal dominant cardiomyopathy and also with autosomal recessive skeletal myopathies (PMID: 22335739, 32778822); This variant is associated with the following publications: (PMID: 22335739, 32778822)

Labcorp Genetics (formerly Invitae), Labcorp
Classification: Likely pathogenic for Dilated cardiomyopathy 1G; Autosomal recessive limb-girdle muscular dystrophy type 2J. Last evaluated: 2024-12-16. Review status: criteria provided, single submitter. Criteria: Invitae Variant Classification Sherloc (09022015). Collection method: clinical testing. Allele origin: germline.
Comment: This sequence change creates a premature translational stop signal (p.Ala18392Serfs*6) in the TTN gene. While this is not anticipated to result in nonsense mediated decay, it is expected to create a truncated TTN protein. This variant is not present in population databases (gnomAD no frequency). This variant has not been reported in the literature in individuals affected with TTN-related conditions. ClinVar contains an entry for this variant (Variation ID: 1321500). This variant is located in the A band of TTN (PMID: 25589632). Truncating variants in this region are significantly overrepresented in patients affected with dilated cardiomyopathy (PMID: 25589632). Truncating variants in this region have also been reported in individuals affected with autosomal recessive centronuclear myopathy (PMID: 23975875). In summary, the currently available evidence indicates that the variant is pathogenic, but additional data are needed to prove that conclusively. Therefore, this variant has been classified as Likely Pathogenic.

Literature cited by the submitters: PubMed 25589632 (cited by Labcorp Genetics (formerly Invitae), Labcorp); PubMed 23975875 (cited by Labcorp Genetics (formerly Invitae), Labcorp).